The following is an entry in ClinVar:

ClinVar aggregate classification (germline): Pathogenic (1 of 4 stars; one submission).

Submission:

Labcorp Genetics (formerly Invitae), Labcorp
Classification: Pathogenic. Last evaluated: 2024-12-15. Review status: criteria provided, single submitter. Criteria: Invitae Variant Classification Sherloc (09022015). Collection method: clinical testing. Allele origin: germline.
Comment: This sequence change replaces glycine, which is neutral and non-polar, with arginine, which is basic and polar, at codon 230 of the COL4A5 protein (p.Gly230Arg). This variant is not present in population databases (gnomAD no frequency). This missense change has been observed in individual(s) with Alport syndrome (PMID: 8940267). Experimental studies and prediction algorithms are not available or were not evaluated, and the functional significance of this variant is currently unknown. This variant disrupts the triple helix domain of COL4A5. Glycine residues within the Gly-Xaa-Yaa repeats of the triple helix domain are required for the structure and stability of fibrillar collagens (PMID: 7695699, 8218237, 19344236). In COL4A5, missense variants at these glycine residues are significantly enriched in individuals with disease (PMID: 23720012, 27627812) compared to the general population (ExAC). This variant disrupts the p.Gly230 amino acid residue in COL4A5. Other variant(s) that disrupt this residue have been observed in individuals with COL4A5-related conditions (PMID: 8940267, 19728970, 30968591), which suggests that this may be a clinically significant amino acid residue. For these reasons, this variant has been classified as Pathogenic.

Literature cited by the submitters: PubMed 8940267; PubMed 7695699; PubMed 8218237; PubMed 19344236; PubMed 23720012; PubMed 27627812; PubMed 19728970; PubMed 30968591.

NM_033380.3(COL4A5):c.688G>C (p.Gly230Arg)

Gene: COL4A5 (collagen type IV alpha 5 chain; plus strand). Cytogenetic location: Xq22.3.
Variant type: single nucleotide variant.
Coding change: c.688G>C on transcript NM_033380.3 (MANE Select); coding-DNA position 688, G replaced by C.
Protein change: p.Gly230Arg; replaces glycine 230 with arginine.
Molecular consequence: missense variant.
Genome position (GRCh38, 1-based): chrX:108,578,291, G>C. VCF-style: chrX-108578291-G-C. GRCh37 (hg19) VCF-style: chrX-107821521-G-C.
Other names: c.688G>C, p.Gly230Arg (NM_000495.5); short protein forms G230R.
Identifiers: ClinVar variation 3724379 (VCV003724379.2), dbSNP rs104886076.